The following is an entry in ClinVar:

NM_015161.3(ARL6IP1):c.433C>G (p.Leu145Val)

Gene: ARL6IP1 (ARL6 interacting reticulophagy regulator 1; minus strand). Cytogenetic location: 16p12.3.
Variant type: single nucleotide variant.
Coding change: c.433C>G on transcript NM_015161.3 (MANE Select); coding-DNA position 433, C replaced by G.
Protein change: p.Leu145Val; replaces leucine 145 with valine.
Molecular consequence: missense variant.
Genome position (GRCh38, 1-based): chr16:18,794,659, G>C on the plus strand (C>G on the coding strand, the complement: ARL6IP1 is on the minus strand). VCF-style: chr16-18794659-G-C. GRCh37 (hg19) VCF-style: chr16-18805981-G-C.
Other names: c.346C>G, p.Leu116Val (NM_001313858.1); short protein forms L116V, L145V.
Identifiers: ClinVar variation 2196302 (VCV002196302.4), dbSNP rs781061128, ClinGen allele CA7929450.
Genomic context (GRCh38, chr16:18,794,659, plus strand): 5'-CTATCAGGTAGGTGAGAAGCAGGTTGTGGACTTGTTGTCCCACCCAAGCAACCGCAGCAA[G>C]GGAAACGATCATGGTCATGAAGTACTAGCAATGAAAACAAGAATTTAATATCAAAACTTC-3'
Protein context (NP_055976.1, residues 135-155): KMYFMTMIVS[Leu145Val]AAVAWVGQQV

ClinVar aggregate classification (germline): Uncertain significance (1 of 4 stars; one submission).

Conditions:
Hereditary spastic paraplegia 61. Also called: Spastic paraplegia 61, autosomal recessive. Identifiers: Orphanet 401780, MedGen C3810294, MONDO:0014304, OMIM 615685.

Allele frequency attached by ClinVar (database versions not stated): gnomAD 0.00001; TOPMed 0.00001.
gnomAD v4.1: 4 of 1,613,068 alleles (0.00025%); highest among the groups gnomAD compares: African/African-American, 0.0053%; no homozygotes.

Submission:

Labcorp Genetics (formerly Invitae), Labcorp
Classification: Uncertain significance for Hereditary spastic paraplegia 61. Last evaluated: 2022-02-22. Review status: criteria provided, single submitter. Criteria: Invitae Variant Classification Sherloc (09022015). Collection method: clinical testing. Allele origin: germline.
Comment: In summary, the available evidence is currently insufficient to determine the role of this variant in disease. Therefore, it has been classified as a Variant of Uncertain Significance. Algorithms developed to predict the effect of missense changes on protein structure and function are either unavailable or do not agree on the potential impact of this missense change (SIFT: "Deleterious"; PolyPhen-2: "Not Available"; Align-GVGD: "Class C25"). This variant has not been reported in the literature in individuals affected with ARL6IP1-related conditions. This variant is present in population databases (rs781061128, gnomAD 0.007%). This sequence change replaces leucine, which is neutral and non-polar, with valine, which is neutral and non-polar, at codon 145 of the ARL6IP1 protein (p.Leu145Val).